The following is an entry in ClinVar:

ClinVar aggregate classification (germline): Uncertain significance. Review status: criteria provided, multiple submitters, no conflicts (2 of 4 stars). 2 submissions from 2 submitters: Uncertain significance (2). Last evaluated 2023-10-11.

Conditions:
X-linked distal spinal muscular atrophy type 3. Also called: ATP7A-Related Distal Motor Neuropathy; SPINAL MUSCULAR ATROPHY, DISTAL, X-LINKED RECESSIVE; NEURONOPATHY, DISTAL HEREDITARY MOTOR, X-LINKED; NEUROPATHY, DISTAL HEREDITARY MOTOR, X-LINKED. Identifiers: Orphanet 139557, MedGen C1845359, MONDO:0010338, OMIM 300489.
Menkes kinky-hair syndrome (MNK). Also called: Copper transport disease; Menkes Disease; Classic Menkes Disease. Identifiers: Orphanet 565, MedGen C0022716, MONDO:0010651, OMIM 309400.
Cutis laxa, X-linked (OHS). Also called: EDS IX; Occipital horn syndrome. Identifiers: Orphanet 198, MedGen C0268353, MONDO:0010572, OMIM 304150.

Submissions (2):

GeneDx
Classification: Uncertain significance. Last evaluated: 2023-10-11. Review status: criteria provided, single submitter. Criteria: GeneDx Variant Classification Process June 2021. Collection method: clinical testing. Allele origin: germline. Affected: yes.
Comment: Not observed at significant frequency in large population cohorts (gnomAD); In silico analysis supports that this missense variant has a deleterious effect on protein structure/function; Has not been previously published as pathogenic or benign to our knowledge

Labcorp Genetics (formerly Invitae), Labcorp
Classification: Uncertain significance for X-linked distal spinal muscular atrophy type 3; Cutis laxa, X-linked; Menkes kinky-hair syndrome. Last evaluated: 2022-10-25. Review status: criteria provided, single submitter. Criteria: Invitae Variant Classification Sherloc (09022015). Collection method: clinical testing. Allele origin: germline.
Comment: In summary, the available evidence is currently insufficient to determine the role of this variant in disease. Therefore, it has been classified as a Variant of Uncertain Significance. Algorithms developed to predict the effect of missense changes on protein structure and function (SIFT, PolyPhen-2, Align-GVGD) all suggest that this variant is likely to be disruptive. This variant has not been reported in the literature in individuals affected with ATP7A-related conditions. This variant is not present in population databases (gnomAD no frequency). This sequence change replaces leucine, which is neutral and non-polar, with arginine, which is basic and polar, at codon 1402 of the ATP7A protein (p.Leu1402Arg).

NM_000052.7(ATP7A):c.4205T>G (p.Leu1402Arg)

Gene: ATP7A (ATPase copper transporting alpha; plus strand). Cytogenetic location: Xq21.1.
Variant type: single nucleotide variant.
Coding change: c.4205T>G on transcript NM_000052.7 (MANE Select); coding-DNA position 4205, T replaced by G.
Protein change: p.Leu1402Arg; replaces leucine 1402 with arginine.
Molecular consequence: missense variant. On other transcripts: non-coding transcript variant (1).
Genome position (GRCh38, 1-based): chrX:78,045,551, T>G. VCF-style: chrX-78045551-T-G. GRCh37 (hg19) VCF-style: chrX-77301048-T-G.
Other names: c.3971T>G, p.Leu1324Arg (NM_001282224.2); c.4205T>G (NM_000052.4); short protein forms L1402R, L1324R.
Identifiers: ClinVar variation 2126128 (VCV002126128.5), dbSNP rs2522425660, ClinGen allele CA413605903.
Genomic context (GRCh38, chrX:78,045,551, plus strand): 5'-TGGTTTTGCAGCCCTGGATGGGATCTGCAGCAATGGCTGCTTCATCTGTTTCTGTAGTAC[T>G]TTCTTCTCTCTTCCTTAAACTGTAAGTATGATAGCTTGCTCACATTTGTATTTTGTATTC-3'
Protein context (NP_000043.4, residues 1392-1412): AMAASSVSVV[Leu1402Arg]SSLFLKLYRK